The following is an entry in ClinVar:

NM_001037333.3(CYFIP2):c.926G>A (p.Gly309Asp)

Gene: CYFIP2 (cytoplasmic FMR1 interacting protein 2; plus strand). Cytogenetic location: 5q33.3.
Variant type: single nucleotide variant.
Coding change: c.926G>A on transcript NM_001037333.3 (MANE Select); coding-DNA position 926, G replaced by A.
Protein change: p.Gly309Asp; replaces glycine 309 with aspartic acid.
Molecular consequence: missense variant.
Genome position (GRCh38, 1-based): chr5:157,309,768, G>A. VCF-style: chr5-157309768-G-A. GRCh37 (hg19) VCF-style: chr5-156736776-G-A.
Other names: c.848G>A, p.Gly283Asp (NM_001291721.2); c.926G>A, p.Gly309Asp (NM_001291722.2, NM_014376.4); short protein forms G283D, G309D.
Identifiers: ClinVar variation 1477222 (VCV001477222.8), dbSNP rs2113023703, ClinGen allele CA361967735.
Genomic context (GRCh38, chr5:157,309,768, plus strand): 5'-CAGCATCTCACGAGCTGTGTTTGCTTCCTTTGCAGCAGCTGCAGGTGGTGCCCCTTTTCG[G>A]CGACATGCAGATAGAGCTGGCCAGATACATTAAGACCAGTGCTCACTATGAAGAGAACAA-3'
Protein context (NP_001032410.1, residues 299-319): FKQLQVVPLF[Gly309Asp]DMQIELARYI

ClinVar aggregate classification (germline): Uncertain significance (1 of 4 stars; one submission).

Submission:

Labcorp Genetics (formerly Invitae), Labcorp
Classification: Uncertain significance. Last evaluated: 2021-06-29. Review status: criteria provided, single submitter. Criteria: Invitae Variant Classification Sherloc (09022015). Collection method: clinical testing. Allele origin: germline.
Comment: This sequence change replaces glycine with aspartic acid at codon 309 of the CYFIP2 protein (p.Gly309Asp). The glycine residue is highly conserved and there is a moderate physicochemical difference between glycine and aspartic acid. This variant is not present in population databases (ExAC no frequency). This variant has not been reported in the literature in individuals affected with CYFIP2-related conditions. Algorithms developed to predict the effect of missense changes on protein structure and function are either unavailable or do not agree on the potential impact of this missense change (SIFT: "Deleterious"; PolyPhen-2: "Not Available"; Align-GVGD: "Class C0"). In summary, the available evidence is currently insufficient to determine the role of this variant in disease. Therefore, it has been classified as a Variant of Uncertain Significance.